The following is an entry in ClinVar:

ClinVar aggregate classification (germline): Uncertain significance (1 of 4 stars; one submission).

Conditions:
Inborn genetic diseases. Identifiers: MedGen C0950123, MeSH D030342.

gnomAD v4.1: 3 of 1,613,258 alleles (0.00019%); highest among the groups gnomAD compares: South Asian, 0.0022%; no homozygotes.

Submission:

Ambry Genetics
Classification: Uncertain significance for Inborn genetic diseases. Last evaluated: 2025-01-24. Review status: criteria provided, single submitter. Criteria: Ambry Variant Classification Scheme 2023. Collection method: clinical testing. Allele origin: germline.
Comment: The p.V285L variant (also known as c.853G>C), located in coding exon 5 of the ETV6 gene, results from a G to C substitution at nucleotide position 853. The valine at codon 285 is replaced by leucine, an amino acid with highly similar properties. This amino acid position is conserved. In addition, this alteration is predicted to be tolerated by in silico analysis. Based on the available evidence, the clinical significance of this variant remains unclear.

NM_001987.5(ETV6):c.853G>C (p.Val285Leu)

Gene: ETV6 (ETS variant transcription factor 6; plus strand). Cytogenetic location: 12p13.2.
Variant type: single nucleotide variant.
Coding change: c.853G>C on transcript NM_001987.5 (MANE Select); coding-DNA position 853, G replaced by C.
Protein change: p.Val285Leu; replaces valine 285 with leucine.
Molecular consequence: missense variant.
Genome position (GRCh38, 1-based): chr12:11,869,813, G>C. VCF-style: chr12-11869813-G-C. GRCh37 (hg19) VCF-style: chr12-12022747-G-C.
Other names: c.850G>C, p.Val284Leu (NM_001413913.1); c.826G>C, p.Val276Leu (NM_001413914.1); c.589G>C, p.Val197Leu (NM_001413915.1); c.853G>C, p.Val285Leu (NM_001413916.1, NM_001413917.1); short protein forms V197L, V285L, V276L, V284L.
Identifiers: ClinVar variation 3846516 (VCV003846516.1).
Genomic context (GRCh38, chr12:11,869,813, plus strand): 5'-GTGATCCAGCTGATGCCCAGCCCCATCATGCACCCTCTGATCCTGAACCCCCGGCACTCC[G>C]TGGATTTCAAACAGTCCAGGCTCTCCGAGGACGGGCTGCATAGGGAAGGGAAGCCCATCA-3'
Protein context (NP_001978.1, residues 275-295): HPLILNPRHS[Val285Leu]DFKQSRLSED